The following is an entry in ClinVar:

ClinVar aggregate classification (germline): Likely benign (0 of 4 stars; one submission).

Conditions:
DLG1-related disorder. Also called: DLG1-related condition.

Allele frequency attached by ClinVar (database versions not stated): ExAC 0.00001; gnomAD 0.00001; gnomAD exomes 0.00001; TOPMed 0.00001.
gnomAD v4.1: 18 of 1,607,920 alleles (0.0011%); highest among the groups gnomAD compares: Non-Finnish European, 0.0015%; no homozygotes.

Submission:

PreventionGenetics, part of Exact Sciences
Classification: Likely benign for DLG1-related condition. Last evaluated: 2022-01-14. Review status: no assertion criteria provided. Collection method: clinical testing. Allele origin: germline.
Comment: This variant is classified as likely benign based on ACMG/AMP sequence variant interpretation guidelines (Richards et al. 2015 PMID: 25741868, with internal and published modifications).

NM_001366207.1(DLG1):c.1015T>C (p.Leu339=)

Gene: DLG1 (discs large MAGUK scaffold protein 1; minus strand). Cytogenetic location: 3q29.
Variant type: single nucleotide variant.
Coding change: c.1015T>C on transcript NM_001366207.1 (MANE Select); coding-DNA position 1015, T replaced by C.
Protein change: p.Leu339=; no amino-acid change (leucine 339 retained).
Molecular consequence: synonymous variant. On other transcripts: non-coding transcript variant (4).
Genome position (GRCh38, 1-based): chr3:197,136,547, A>G on the plus strand (T>C on the coding strand, the complement: DLG1 is on the minus strand). VCF-style: chr3-197136547-A-G. GRCh37 (hg19) VCF-style: chr3-196863418-A-G.
Other names: c.1114T>C, p.Leu372= (NM_001098424.1, NM_001290983.2, NM_001366214.1 and 2 more transcripts); c.1015T>C, p.Leu339= (NM_001204386.1, NM_001363865.1, NM_001366204.1 and 9 more transcripts); c.766T>C, p.Leu256= (NM_001204387.2, NM_001204388.2); c.961T>C, p.Leu321= (NM_001366203.1, NM_001366206.1, NM_001366216.1 and 2 more transcripts); c.865T>C, p.Leu289= (NM_001366221.1, NM_001366222.1).
Identifiers: ClinVar variation 3041727 (VCV003041727.2), dbSNP rs760948969, ClinGen allele CA2785605.